The following is an entry in ClinVar:

ClinVar aggregate classification (germline): Likely benign (0 of 4 stars; one submission).

Conditions:
PGAP2-related disorder. Also called: PGAP2-related condition.

Allele frequency attached by ClinVar (database versions not stated): ExAC 0.00006; gnomAD exomes 0.00007; gnomAD 0.00014; TOPMed 0.00014; 1000 Genomes Project 30x 0.00109; 1000 Genomes Project 0.00140.
gnomAD v4.1: 118 of 1,530,762 alleles (0.0077%); highest among the groups gnomAD compares: East Asian, 0.28%; no homozygotes.

Submission:

PreventionGenetics, part of Exact Sciences
Classification: Likely benign for PGAP2-related condition. Last evaluated: 2019-09-10. Review status: no assertion criteria provided. Collection method: clinical testing. Allele origin: germline.
Comment: This variant is classified as likely benign based on ACMG/AMP sequence variant interpretation guidelines (Richards et al. 2015 PMID: 25741868, with internal and published modifications).

NM_014489.4(PGAP2):c.349-959A>C

Gene: PGAP2 (post-GPI attachment to proteins 2; plus strand). Cytogenetic location: 11p15.4.
Variant type: single nucleotide variant.
Coding change: c.349-959A>C on transcript NM_014489.4 (MANE Select); 959 bases into the intron before coding-DNA position 349, A replaced by C.
Molecular consequence: intron variant. On other transcripts: synonymous variant (2), 5 prime UTR variant (2), non-coding transcript variant (4).
Genome position (GRCh38, 1-based): chr11:3,822,924, A>C. VCF-style: chr11-3822924-A-C. GRCh37 (hg19) VCF-style: chr11-3844154-A-C.
Other names: c.150A>C, p.Ile50= (NM_001256235.2); c.-23A>C (NM_001346399.2, NM_001346401.2); c.216A>C, p.Ile72= (NM_001346402.2); c.162-1346A>C (NM_001283040.1); c.319-959A>C (NM_001346397.2); c.349-959A>C (NM_001256236.2, NM_001346403.1); c.166-959A>C (NM_001256237.2, NM_001283038.2, NM_001145438.3 and 7 more transcripts); c.-40-689A>C (NM_001283039.2).
Identifiers: ClinVar variation 3040676 (VCV003040676.2), dbSNP rs190087907, ClinGen allele CA5829682.